The following is an entry in ClinVar:

NM_000053.4(ATP7B):c.3133C>G (p.Leu1045Val)

Gene: ATP7B (ATPase copper transporting beta; minus strand). Cytogenetic location: 13q14.3.
Variant type: single nucleotide variant.
Coding change: c.3133C>G on transcript NM_000053.4 (MANE Select); coding-DNA position 3133, C replaced by G.
Protein change: p.Leu1045Val; replaces leucine 1045 with valine.
Molecular consequence: missense variant.
Genome position (GRCh38, 1-based): chr13:51,944,219, G>C on the plus strand (C>G on the coding strand, the complement: ATP7B is on the minus strand). VCF-style: chr13-51944219-G-C. GRCh37 (hg19) VCF-style: chr13-52518355-G-C.
Other names: c.2512C>G, p.Leu838Val (NM_001005918.3); c.2800C>G, p.Leu934Val (NM_001243182.2); c.2899C>G, p.Leu967Val (NM_001330578.2, NM_001406538.1, NM_001406527.1 and 1 more transcripts); c.2881C>G, p.Leu961Val (NM_001330579.2, NM_001406531.1, NM_001406532.1); c.3133C>G, p.Leu1045Val (NM_001406511.1, NM_001406512.1, NM_001406526.1); c.3127C>G, p.Leu1043Val (NM_001406513.1); c.3100C>G, p.Leu1034Val (NM_001406514.1); c.3079C>G, p.Leu1027Val (NM_001406515.1, NM_001406516.1); and 18 more; short protein forms L1045V, L615V, L818V, L883V, L929V, L935V, L965V, L1027V.
Identifiers: ClinVar variation 2149420 (VCV002149420.4), dbSNP rs2547628197, ClinGen allele CA388030223.

ClinVar aggregate classification (germline): Uncertain significance. Review status: criteria provided, multiple submitters, no conflicts (2 of 4 stars). 3 submissions from 3 submitters: Uncertain significance (3). Last evaluated 2024-07-15.

Conditions:
Wilson disease (WND). Also called: Wilson's disease. Identifiers: Orphanet 905, MedGen C0019202, MONDO:0010200, OMIM 277900. Disease mechanism: loss of function.

Allele frequency attached by ClinVar (database versions not stated): gnomAD exomes below 0.00001.
gnomAD v4.1: 1 of 1,614,110 alleles (0.000062%); highest among the groups gnomAD compares: Admixed American, 0.0017%; no homozygotes.

Submissions (3):

All of Us Research Program, National Institutes of Health
Classification: Uncertain significance for Wilson disease. Last evaluated: 2024-07-15. Review status: criteria provided, single submitter. Criteria: ACMG Guidelines, 2015. Collection method: clinical testing. Allele origin: germline. Inheritance: Autosomal recessive inheritance. Observed: 4 variant alleles, 4 heterozygotes.
Comment: This missense variant replaces leucine with valine at codon 1045 of the ATP7B protein. Computational prediction suggests that this variant may not impact protein structure and function (internally defined REVEL score threshold <= 0.5, PMID: 27666373). To our knowledge, functional studies have not been reported for this variant. This variant has not been reported in individuals affected with ATP7B-related disorders in the literature. This variant has not been identified in the general population by the Genome Aggregation Database (gnomAD). The available evidence is insufficient to determine the role of this variant in disease conclusively. Therefore, this variant is classified as a Variant of Uncertain Significance.

This study involves interpretation of variants in research participants for the purpose of population health screening. Participant phenotype was not available at the time of variant classification. Additional details can be found in publication PMID: 35346344, PMCID: PMC8962531

Color Diagnostics, LLC DBA Color Health
Classification: Uncertain significance for Wilson disease. Last evaluated: 2024-03-06. Review status: criteria provided, single submitter. Criteria: ACMG Guidelines, 2015. Collection method: clinical testing. Allele origin: germline.
Comment: This missense variant replaces leucine with valine at codon 1045 of the ATP7B protein. Computational prediction suggests that this variant may not impact protein structure and function. To our knowledge, functional studies have not been reported for this variant. This variant has not been reported in individuals affected with ATP7B-related disorders in the literature. This variant has not been identified in the general population by the Genome Aggregation Database (gnomAD). The available evidence is insufficient to determine the role of this variant in disease conclusively. Therefore, this variant is classified as a Variant of Uncertain Significance.

Labcorp Genetics (formerly Invitae), Labcorp
Classification: Uncertain significance for Wilson disease. Last evaluated: 2022-06-10. Review status: criteria provided, single submitter. Criteria: Invitae Variant Classification Sherloc (09022015). Collection method: clinical testing. Allele origin: germline.
Comment: This sequence change replaces leucine, which is neutral and non-polar, with valine, which is neutral and non-polar, at codon 1045 of the ATP7B protein (p.Leu1045Val). This variant is not present in population databases (gnomAD no frequency). This variant has not been reported in the literature in individuals affected with ATP7B-related conditions. Advanced modeling of protein sequence and biophysical properties (such as structural, functional, and spatial information, amino acid conservation, physicochemical variation, residue mobility, and thermodynamic stability) performed at Invitae indicates that this missense variant is not expected to disrupt ATP7B protein function. Algorithms developed to predict the effect of sequence changes on RNA splicing suggest that this variant may create or strengthen a splice site. In summary, the available evidence is currently insufficient to determine the role of this variant in disease. Therefore, it has been classified as a Variant of Uncertain Significance.